The following is an entry in ClinVar:

NM_014317.5(PDSS1):c.832G>A (p.Val278Ile)

Gene: PDSS1 (decaprenyl diphosphate synthase subunit 1; plus strand). Cytogenetic location: 10p12.1.
Variant type: single nucleotide variant.
Coding change: c.832G>A on transcript NM_014317.5 (MANE Select); coding-DNA position 832, G replaced by A.
Protein change: p.Val278Ile; replaces valine 278 with isoleucine.
Molecular consequence: missense variant. On other transcripts: intron variant (1).
Genome position (GRCh38, 1-based): chr10:26,735,240, G>A. VCF-style: chr10-26735240-G-A. GRCh37 (hg19) VCF-style: chr10-27024169-G-A.
Other names: c.322G>A, p.Val108Ile (NM_001321979.2); c.836-7257G>A (NM_001321978.2); short protein forms V108I, V278I.
Identifiers: ClinVar variation 1417732 (VCV001417732.4), dbSNP rs778411730, ClinGen allele CA376350499.

ClinVar aggregate classification (germline): Uncertain significance. Review status: criteria provided, multiple submitters, no conflicts (2 of 4 stars). 2 submissions from 2 submitters: Uncertain significance (2). Last evaluated 2024-04-15.

Conditions:
Deafness-encephaloneuropathy-obesity-valvulopathy syndrome. Identifiers: Orphanet 254898, MedGen C3553354, MONDO:0013837, OMIM 614651.

Allele frequency attached by ClinVar (database versions not stated): gnomAD exomes 0.00002.
gnomAD v4.1: 22 of 1,610,754 alleles (0.0014%); highest among the groups gnomAD compares: Non-Finnish European, 0.0019%; no homozygotes.

Submissions (2):

Fulgent Genetics
Classification: Uncertain significance for Deafness-encephaloneuropathy-obesity-valvulopathy syndrome. Last evaluated: 2024-04-15. Review status: criteria provided, single submitter. Criteria: ACMG Guidelines, 2015. Collection method: clinical testing. Allele origin: germline.

Labcorp Genetics (formerly Invitae), Labcorp
Classification: Uncertain significance. Last evaluated: 2022-08-20. Review status: criteria provided, single submitter. Criteria: Invitae Variant Classification Sherloc (09022015). Collection method: clinical testing. Allele origin: germline.
Comment: This sequence change replaces valine, which is neutral and non-polar, with isoleucine, which is neutral and non-polar, at codon 278 of the PDSS1 protein (p.Val278Ile). This variant is not present in population databases (gnomAD no frequency). This variant has not been reported in the literature in individuals affected with PDSS1-related conditions. ClinVar contains an entry for this variant (Variation ID: 1417732). Algorithms developed to predict the effect of missense changes on protein structure and function are either unavailable or do not agree on the potential impact of this missense change (SIFT: "Not Available"; PolyPhen-2: "Probably Damaging"; Align-GVGD: "Not Available"). Experimental studies and prediction algorithms are not available or were not evaluated, and the effect of this variant on mRNA splicing is currently unknown. In summary, the available evidence is currently insufficient to determine the role of this variant in disease. Therefore, it has been classified as a Variant of Uncertain Significance.